The following is an entry in ClinVar:

ClinVar aggregate classification (germline): Uncertain significance. Review status: criteria provided, multiple submitters, no conflicts (2 of 4 stars). 2 submissions from 2 submitters: Uncertain significance (2). Last evaluated 2023-08-23.

Conditions:
Hereditary cancer-predisposing syndrome. Also called: Neoplastic Syndromes, Hereditary; Tumor predisposition; Hereditary Cancer Syndrome; Hereditary neoplastic syndrome. Identifiers: Orphanet 140162, MedGen C0027672, MeSH D009386, MONDO:0015356.
Retinoblastoma (RB1). Also called: RETINOBLASTOMA, SOMATIC. Identifiers: Orphanet 790, MedGen C0035335, MeSH D012175, MONDO:0008380, OMIM 180200, HP:0009919. Disease mechanism: loss of function. Inheritance: Both sporadic and heritable forms are tested..

Allele frequency attached by ClinVar (database versions not stated): gnomAD exomes below 0.00001.
gnomAD v4.1: 1 of 1,612,820 alleles (0.000062%); highest among the groups gnomAD compares: Non-Finnish European, 0.000085%; no homozygotes.

Submissions (2):

Ambry Genetics
Classification: Uncertain significance for Hereditary cancer-predisposing syndrome. Last evaluated: 2023-08-23. Review status: criteria provided, single submitter. Criteria: Ambry Variant Classification Scheme 2023. Collection method: clinical testing. Allele origin: germline.
Comment: The p.N599S variant (also known as c.1796A>G), located in coding exon 18 of the RB1 gene, results from an A to G substitution at nucleotide position 1796. The asparagine at codon 599 is replaced by serine, an amino acid with highly similar properties. One study detected this alteration in 1/118 healthy controls and 0/19 retinoblastoma patients (Sivakumaran TA et al, 2005 Apr;25:396-409). This amino acid position is highly conserved in available vertebrate species. In addition, this alteration is predicted to be tolerated by in silico analysis. Since supporting evidence is limited at this time, the clinical significance of this alteration remains unclear.

Labcorp Genetics (formerly Invitae), Labcorp
Classification: Uncertain significance for Retinoblastoma. Last evaluated: 2023-06-16. Review status: criteria provided, single submitter. Criteria: Invitae Variant Classification Sherloc (09022015). Collection method: clinical testing. Allele origin: germline.
Comment: This variant has not been reported in the literature in individuals affected with RB1-related conditions. This variant is not present in population databases (gnomAD no frequency). This sequence change replaces asparagine, which is neutral and polar, with serine, which is neutral and polar, at codon 599 of the RB1 protein (p.Asn599Ser). ClinVar contains an entry for this variant (Variation ID: 1780262). Advanced modeling of protein sequence and biophysical properties (such as structural, functional, and spatial information, amino acid conservation, physicochemical variation, residue mobility, and thermodynamic stability) performed at Invitae indicates that this missense variant is not expected to disrupt RB1 protein function. In summary, the available evidence is currently insufficient to determine the role of this variant in disease. Therefore, it has been classified as a Variant of Uncertain Significance.

Literature cited by the submitters: PubMed 15776430 (cited by Ambry Genetics).

NM_000321.3(RB1):c.1796A>G (p.Asn599Ser)

Gene: RB1 (RB transcriptional corepressor 1; plus strand). Cytogenetic location: 13q14.2.
Variant type: single nucleotide variant.
Coding change: c.1796A>G on transcript NM_000321.3 (MANE Select); coding-DNA position 1796, A replaced by G.
Protein change: p.Asn599Ser; replaces asparagine 599 with serine.
Molecular consequence: missense variant.
Genome position (GRCh38, 1-based): chr13:48,453,093, A>G. VCF-style: chr13-48453093-A-G. GRCh37 (hg19) VCF-style: chr13-49027229-A-G.
Other names: c.1796A>G, p.Asn599Ser (NM_001407165.1); short protein forms N599S.
Identifiers: ClinVar variation 1780262 (VCV001780262.6), dbSNP rs3092896, ClinGen allele CA249305472.
Genomic context (GRCh38, chr13:48,453,093, plus strand): 5'-GAGAAGGACCAACTGATCACCTTGAATCTGCTTGTCCTCTTAATCTTCCTCTCCAGAATA[A>G]TCACACTGCAGCAGATATGTAAGCAAAATATATGTTATGTTGACCATTCAAACTGCAAAT-3'
Protein context (NP_000312.2, residues 589-609): ACPLNLPLQN[Asn599Ser]HTAADMYLSP